The following is an entry in ClinVar:

ClinVar aggregate classification (germline): Likely benign (1 of 4 stars; one submission).

Allele frequency attached by ClinVar (database versions not stated): gnomAD 0.00001; gnomAD exomes 0.00001; ExAC 0.00002; TOPMed 0.00003.

Submission:

CeGaT Center for Human Genetics Tuebingen
Classification: Likely benign. Last evaluated: 2023-11-01. Review status: criteria provided, single submitter. Criteria: CeGaT Center For Human Genetics Tuebingen Variant Classification Criteria Version 2. Collection method: clinical testing. Allele origin: germline. Affected: yes. Observed: 1 variant allele.
Comment: DHX37: BP4, BP7

NM_032656.4(DHX37):c.2211C>T (p.Ala737=)

Gene: DHX37 (DEAH-box helicase 37; minus strand). Cytogenetic location: 12q24.31.
Variant type: single nucleotide variant.
Coding change: c.2211C>T on transcript NM_032656.4 (MANE Select); coding-DNA position 2211, C replaced by T.
Protein change: p.Ala737=; no amino-acid change (alanine 737 retained).
Molecular consequence: synonymous variant.
Genome position (GRCh38, 1-based): chr12:124,957,082, G>A on the plus strand (C>T on the coding strand, the complement: DHX37 is on the minus strand). VCF-style: chr12-124957082-G-A. GRCh37 (hg19) VCF-style: chr12-125441628-G-A.
Identifiers: ClinVar variation 2672532 (VCV002672532.23), dbSNP rs767581269, ClinGen allele CA6871715.